The following is an entry in ClinVar:

NM_016599.5(MYOZ2):c.373C>G (p.Pro125Ala)

Gene: MYOZ2 (myozenin 2; plus strand). Cytogenetic location: 4q26.
Variant type: single nucleotide variant.
Coding change: c.373C>G on transcript NM_016599.5 (MANE Select); coding-DNA position 373, C replaced by G.
Protein change: p.Pro125Ala; replaces proline 125 with alanine.
Molecular consequence: missense variant.
Genome position (GRCh38, 1-based): chr4:119,158,148, C>G. VCF-style: chr4-119158148-C-G. GRCh37 (hg19) VCF-style: chr4-120079303-C-G.
Other names: short protein forms P125A.
Identifiers: ClinVar variation 2731383 (VCV002731383.3), dbSNP rs2149223427, ClinGen allele CA358204053.

ClinVar aggregate classification (germline): Uncertain significance (1 of 4 stars; one submission).

Conditions:
Hypertrophic cardiomyopathy. Also called: HYPERTROPHIC MYOCARDIOPATHY. Identifiers: Orphanet 217569, MedGen C0007194, MeSH D002312, MONDO:0005045, HP:0001639.

Submission:

Labcorp Genetics (formerly Invitae), Labcorp
Classification: Uncertain significance for Hypertrophic cardiomyopathy. Last evaluated: 2023-03-23. Review status: criteria provided, single submitter. Criteria: Invitae Variant Classification Sherloc (09022015). Collection method: clinical testing. Allele origin: germline.
Comment: In summary, the available evidence is currently insufficient to determine the role of this variant in disease. Therefore, it has been classified as a Variant of Uncertain Significance. Advanced modeling of protein sequence and biophysical properties (such as structural, functional, and spatial information, amino acid conservation, physicochemical variation, residue mobility, and thermodynamic stability) performed at Invitae indicates that this missense variant is not expected to disrupt MYOZ2 protein function. This variant has not been reported in the literature in individuals affected with MYOZ2-related conditions. This variant is not present in population databases (gnomAD no frequency). This sequence change replaces proline, which is neutral and non-polar, with alanine, which is neutral and non-polar, at codon 125 of the MYOZ2 protein (p.Pro125Ala).